The following is an entry in ClinVar:

ClinVar aggregate classification (germline): Likely benign. Review status: criteria provided, single submitter (1 of 4 stars). 2 submissions from 2 submitters: Likely benign (1). 1 of the submissions does not count toward it. Last evaluated 2025-09-08.

Conditions:
SETBP1-related disorder. Also called: SETBP1-related condition; SETBP1-related disorders.

Allele frequency attached by ClinVar (database versions not stated): gnomAD exomes 0.00002 and 0.00013; gnomAD 0.00004; ExAC 0.00009; TOPMed 0.00009.
gnomAD v4.1: 43 of 1,613,960 alleles (0.0027%); highest among the groups gnomAD compares: East Asian, 0.069%; no homozygotes.

Submissions (2):

Labcorp Genetics (formerly Invitae), Labcorp
Classification: Likely benign. Last evaluated: 2025-09-08. Review status: criteria provided, single submitter. Criteria: Invitae Variant Classification Sherloc (09022015). Collection method: clinical testing. Allele origin: germline.

PreventionGenetics, part of Exact Sciences
Classification: Likely benign for SETBP1-related condition. Last evaluated: 2023-06-12. Review status: no assertion criteria provided. Collection method: clinical testing. Allele origin: germline. Not counted in ClinVar's aggregate classification.
Comment: This variant is classified as likely benign based on ACMG/AMP sequence variant interpretation guidelines (Richards et al. 2015 PMID: 25741868, with internal and published modifications).

NM_015559.3(SETBP1):c.839A>G (p.Asn280Ser)

Gene: SETBP1 (SET binding protein 1; plus strand). Cytogenetic location: 18q12.3.
Variant type: single nucleotide variant.
Coding change: c.839A>G on transcript NM_015559.3 (MANE Select); coding-DNA position 839, A replaced by G.
Protein change: p.Asn280Ser; replaces asparagine 280 with serine.
Molecular consequence: missense variant.
Genome position (GRCh38, 1-based): chr18:44,950,179, A>G. VCF-style: chr18-44950179-A-G. GRCh37 (hg19) VCF-style: chr18-42530144-A-G.
Other names: c.839A>G, p.Asn280Ser (LRG_1150t1); short protein forms N280S.
Identifiers: ClinVar variation 326729 (VCV000326729.11), dbSNP rs760239764, ClinGen allele CA8945512.